The following is an entry in ClinVar:

ClinVar aggregate classification (germline): Pathogenic/Likely pathogenic. Review status: criteria provided, multiple submitters, no conflicts (2 of 4 stars). 9 submissions from 9 submitters: Pathogenic (5); Likely pathogenic (3). 1 of the submissions does not count toward it. Last evaluated 2026-02-17.

Conditions:
SRD5A2-related disorder. Also called: SRD5A2-related condition.
3-Oxo-5 alpha-steroid delta 4-dehydrogenase deficiency (PPSH). Also called: PSEUDOVAGINAL PERINEOSCROTAL HYPOSPADIAS; FAMILIAL INCOMPLETE MALE PSEUDOHERMAPHRODITISM, TYPE 2; MALE PSEUDOHERMAPHRODITISM DUE TO 5-ALPHA-REDUCTASE DEFICIENCY; 46,XY disorder of sex development due to 5-alpha-reductase 2 deficiency. Identifiers: Orphanet 753, MedGen C0268297, MONDO:0009923, OMIM 264600. Disease mechanism: loss of function.

Allele frequency attached by ClinVar (database versions not stated): ESP Exome Variant Server 0.00008; gnomAD 0.00009 and 0.00013; TOPMed 0.00009; gnomAD exomes 0.00011 and 0.00023; 1000 Genomes Project 0.00040; ExAC 0.00058; 1000 Genomes Project 30x 0.00062.

Submissions (9):

PreventionGenetics, part of Exact Sciences
Classification: Pathogenic for SRD5A2-related condition. Last evaluated: 2026-02-17. Review status: criteria provided, single submitter. Criteria: ACMG Guidelines, 2015. Collection method: clinical testing. Allele origin: germline.
Comment: The SRD5A2 c.737G>A variant is predicted to result in the amino acid substitution p.Arg246Gln. This variant has been reported in the homozygous and compound heterozygous states in multiple individuals with steroid 5-alpha-reductase deficiency (see for examples, Ko et al. 2010. PubMed ID: 20190539; Bertelloni et al. 2016. PubMed ID: 27070133; Jia et al. 2018. PubMed ID: 29643321). This variant is reported in 0.13% of alleles in individuals of South Asian descent in gnomAD. An in vitro experimental study suggests this variant reduces enzyme activity to less than 3% of wildtype (Wigley et al. 1994. PubMed ID: 8110760). An alternate missense substitution affecting the same amino acid (p.Arg246Trp) has been reported in multiple individuals with steroid 5-alpha-reductase deficiency (Fernández-Cancio et al. 2004. PubMed ID: 15528927; Maimoun et al. 2010. PubMed ID: 20850730; Abacı et al. 2018. PubMed ID: 30132287). The c.737G>A (p.Arg246Gln) variant is interpreted as pathogenic.

Labcorp Genetics (formerly Invitae), Labcorp
Classification: Pathogenic for 3-Oxo-5 alpha-steroid delta 4-dehydrogenase deficiency. Last evaluated: 2026-01-14. Review status: criteria provided, single submitter. Criteria: Invitae Variant Classification Sherloc (09022015). Collection method: clinical testing. Allele origin: germline.
Comment: This sequence change replaces arginine, which is basic and polar, with glutamine, which is neutral and polar, at codon 246 of the SRD5A2 protein (p.Arg246Gln). This variant is present in population databases (rs9332967, gnomAD 0.1%). This missense change has been observed in individual(s) with 5-alpha reductase type 2 deficiency (PMID: 1522235, 2665940, 10718838, 14594182, 18097518, 18717241, 19492581, 20190539, 20493473, 20583543, 23329752, 25899528, 26446026, 26980298). In at least one individual the data is consistent with being in trans (on the opposite chromosome) from a pathogenic variant. It has also been observed to segregate with disease in related individuals. ClinVar contains an entry for this variant (Variation ID: 459645). Invitae Evidence Modeling of protein sequence and biophysical properties (such as structural, functional, and spatial information, amino acid conservation, physicochemical variation, residue mobility, and thermodynamic stability) has been performed for this missense variant. However, the output from this modeling did not meet the statistical confidence thresholds required to predict the impact of this variant on SRD5A2 protein function. For these reasons, this variant has been classified as Pathogenic.

Genesolutions, Medical Genetics Institutes, Ho Chi Minh City, Vietnam
Classification: Pathogenic for 3-Oxo-5 alpha-steroid delta 4-dehydrogenase deficiency. Last evaluated: 2025-09-24. Review status: criteria provided, single submitter. Criteria: ACMG Guidelines, 2015. Collection method: clinical testing. Allele origin: germline. Affected: yes.

3billion
Classification: Pathogenic for 3-Oxo-5 alpha-steroid delta 4-dehydrogenase deficiency. Last evaluated: 2024-10-29. Review status: criteria provided, single submitter. Criteria: ACMG Guidelines, 2015. Collection method: clinical testing. Allele origin: germline. Affected: yes.
Comment: The variant is observed at an extremely low frequency in the gnomAD v4.1.0 dataset (total allele frequency: 0.011%). Predicted Consequence/Location: Missense variant In silico tool predictions suggest damaging effect of the variant on gene or gene product [3Cnet: 0.92 (>=0.6, sensitivity 0.72 and precision 0.9)]. The same nucleotide change resulting in the same amino acid change has been previously reported as pathogenic/likely pathogenic with strong evidence (ClinVar ID: VCV000459645 /PMID: 1522235 /3billion dataset). The variant has been reported to co-segregate with the disease in at least 3 similarly affected relatives/individuals in the same family or similarly affected unrelated family (PMID: 26446026). A different missense change at the same codon (p.Arg246Trp) has been reported as pathogenic/likely pathogenic with strong evidence (ClinVar ID: VCV000003337 /PMID: 1522235). Therefore, this variant is classified as Pathogenic according to the recommendation of ACMG/AMP guideline.

Fulgent Genetics
Classification: Likely pathogenic for 3-Oxo-5 alpha-steroid delta 4-dehydrogenase deficiency. Last evaluated: 2024-05-15. Review status: criteria provided, single submitter. Criteria: ACMG Guidelines, 2015. Collection method: clinical testing. Allele origin: germline.

Revvity Omics, Revvity
Classification: Likely pathogenic for 3-Oxo-5 alpha-steroid delta 4-dehydrogenase deficiency. Last evaluated: 2023-11-09. Review status: criteria provided, single submitter. Criteria: ACMG Guidelines, 2015. Collection method: clinical testing. Allele origin: germline.

Dept. of Cytogenetics, ICMR- National Institute of Immunohaematology
Classification: Likely pathogenic for 3-Oxo-5 alpha-steroid delta 4-dehydrogenase deficiency. Review status: criteria provided, single submitter. Criteria: ACMG Guidelines, 2015. Collection method: clinical testing. Allele origin: germline. Affected: yes. Observed: 1 homozygote.

Juno Genomics, Hangzhou Juno Genomics, Inc
Classification: Pathogenic for 3-Oxo-5 alpha-steroid delta 4-dehydrogenase deficiency. Review status: criteria provided, single submitter. Criteria: ACMG Guidelines, 2015. Collection method: clinical testing. Allele origin: germline.
Comment: Absent from controls (or at extremely low frequency if recessive) in Genome Aggregation Database.;Novel missense change at an amino acid residue where a different missense change determined to be pathogenic has been seen before.;For recessive disorders, detected in trans with a pathogenic variant.

Clinical Molecular Genetics Laboratory, Johns Hopkins All Children's Hospital
Classification: Pathogenic for 3-Oxo-5 alpha-steroid delta 4-dehydrogenase deficiency. Last evaluated: 2009-07-21. Review status: no assertion criteria provided. Collection method: clinical testing. Allele origin: germline. Affected: yes. Not counted in ClinVar's aggregate classification.

Literature cited by the submitters: PubMed 1522235 (cited by Labcorp Genetics (formerly Invitae), Labcorp and 3billion); PubMed 2665940 (cited by Labcorp Genetics (formerly Invitae), Labcorp); PubMed 10718838 (cited by Labcorp Genetics (formerly Invitae), Labcorp); PubMed 14594182 (cited by Labcorp Genetics (formerly Invitae), Labcorp); PubMed 18097518 (cited by Labcorp Genetics (formerly Invitae), Labcorp); PubMed 18717241 (cited by Labcorp Genetics (formerly Invitae), Labcorp); PubMed 19492581 (cited by Labcorp Genetics (formerly Invitae), Labcorp); PubMed 20190539 (cited by Labcorp Genetics (formerly Invitae), Labcorp); PubMed 20493473 (cited by Labcorp Genetics (formerly Invitae), Labcorp); PubMed 20583543 (cited by Labcorp Genetics (formerly Invitae), Labcorp); PubMed 23329752 (cited by Labcorp Genetics (formerly Invitae), Labcorp); PubMed 25899528 (cited by Labcorp Genetics (formerly Invitae), Labcorp); PubMed 26446026 (cited by Labcorp Genetics (formerly Invitae), Labcorp and 3billion); PubMed 26980298 (cited by Labcorp Genetics (formerly Invitae), Labcorp).

NM_000348.4(SRD5A2):c.737G>A (p.Arg246Gln)

Gene: SRD5A2 (steroid 5 alpha-reductase 2; minus strand). Cytogenetic location: 2p23.1.
Variant type: single nucleotide variant.
Coding change: c.737G>A on transcript NM_000348.4 (MANE Select); coding-DNA position 737, G replaced by A.
Protein change: p.Arg246Gln; replaces arginine 246 with glutamine.
Molecular consequence: missense variant.
Genome position (GRCh38, 1-based): chr2:31,526,224, C>T on the plus strand (G>A on the coding strand, the complement: SRD5A2 is on the minus strand). VCF-style: chr2-31526224-C-T. GRCh37 (hg19) VCF-style: chr2-31751294-C-T.
Other names: short protein forms R246Q.
Identifiers: ClinVar variation 459645 (VCV000459645.25), dbSNP rs9332967, ClinGen allele CA1599846.